The following is an entry in ClinVar:

NM_001358921.2(COQ2):c.284G>A (p.Trp95Ter)

Gene: COQ2 (coenzyme Q2, polyprenyltransferase; minus strand). Cytogenetic location: 4q21.23.
Variant type: single nucleotide variant.
Coding change: c.284G>A on transcript NM_001358921.2 (MANE Select); coding-DNA position 284, G replaced by A.
Protein change: p.Trp95Ter; replaces tryptophan 95 with a stop codon.
Molecular consequence: nonsense.
Genome position (GRCh38, 1-based): chr4:83,279,084, C>T on the plus strand (G>A on the coding strand, the complement: COQ2 is on the minus strand). VCF-style: chr4-83279084-C-T. GRCh37 (hg19) VCF-style: chr4-84200237-C-T.
Other names: c.434G>A, p.Trp145Ter (NM_015697.9); short protein forms W145*, W95*.
Identifiers: ClinVar variation 1453830 (VCV001453830.6), dbSNP rs2126175406, ClinGen allele CA357230702.

ClinVar aggregate classification (germline): Pathogenic (1 of 4 stars; one submission).

Submission:

Labcorp Genetics (formerly Invitae), Labcorp
Classification: Pathogenic. Last evaluated: 2023-05-10. Review status: criteria provided, single submitter. Criteria: Invitae Variant Classification Sherloc (09022015). Collection method: clinical testing. Allele origin: germline.
Comment: This sequence change creates a premature translational stop signal (p.Trp145*) in the COQ2 gene. It is expected to result in an absent or disrupted protein product. Loss-of-function variants in COQ2 are known to be pathogenic (PMID: 16400613, 17374725). This variant is not present in population databases (gnomAD no frequency). This variant has not been reported in the literature in individuals affected with COQ2-related conditions. ClinVar contains an entry for this variant (Variation ID: 1453830). For these reasons, this variant has been classified as Pathogenic.

Literature cited by the submitters: PubMed 16400613; PubMed 17374725.